The following is an entry in ClinVar:

NM_001625.4(AK2):c.44G>T (p.Gly15Val)

Genes: AK2 (adenylate kinase 2; minus strand), LOC129930068 (ATAC-STARR-seq lymphoblastoid active region 705; plus strand). Cytogenetic location: 1p35.1.
Variant type: single nucleotide variant.
Coding change: c.44G>T on transcript NM_001625.4 (MANE Select); coding-DNA position 44, G replaced by T.
Protein change: p.Gly15Val; replaces glycine 15 with valine.
Molecular consequence: missense variant. On other transcripts: 5 prime UTR variant (2), non-coding transcript variant (1).
Genome position (GRCh38, 1-based): chr1:33,036,785, C>A on the plus strand (G>T on the coding strand, the complement: AK2 is on the minus strand). VCF-style: chr1-33036785-C-A. GRCh37 (hg19) VCF-style: chr1-33502386-C-A.
Other names: c.44G>T, p.Gly15Val (NM_001199199.3, NM_001319141.3, NM_001319142.3 and 2 more transcripts); c.-219G>T (NM_001319139.3, NM_001319140.2); short protein forms G15V.
Identifiers: ClinVar variation 4691678 (VCV004691678.1).

ClinVar aggregate classification (germline): Uncertain significance (1 of 4 stars; one submission).

Conditions:
Reticular dysgenesis. Also called: ALEUKOCYTOSIS; CONGENITAL ALEUKIA; HEMATOPOIETIC HYPOPLASIA, GENERALIZED; RETICULAR DYSGENESIA; SEVERE COMBINED IMMUNODEFICIENCY WITH LEUKOPENIA; DeVaal disease. Identifiers: Orphanet 33355, MedGen C0272167, MONDO:0009973, OMIM 267500.

Submission:

Labcorp Genetics (formerly Invitae), Labcorp
Classification: Uncertain significance for Reticular dysgenesis. Last evaluated: 2025-12-24. Review status: criteria provided, single submitter. Criteria: Invitae Variant Classification Sherloc (09022015). Collection method: clinical testing. Allele origin: germline.
Comment: This sequence change replaces glycine, which is neutral and non-polar, with valine, which is neutral and non-polar, at codon 15 of the AK2 protein (p.Gly15Val). The frequency data for this variant in the population databases is considered unreliable, as metrics indicate poor data quality at this position in the gnomAD database. This variant has not been reported in the literature in individuals affected with AK2-related conditions. An algorithm developed to predict the effect of missense changes on protein structure and function (PolyPhen-2) suggests that this variant is likely to be disruptive. In summary, the available evidence is currently insufficient to determine the role of this variant in disease. Therefore, it has been classified as a Variant of Uncertain Significance.